The following is an entry in ClinVar:

ClinVar aggregate classification (germline): Uncertain significance (1 of 4 stars; one submission).

Submission:

Labcorp Genetics (formerly Invitae), Labcorp
Classification: Uncertain significance. Last evaluated: 2023-01-15. Review status: criteria provided, single submitter. Criteria: Invitae Variant Classification Sherloc (09022015). Collection method: clinical testing. Allele origin: germline.
Comment: In summary, the available evidence is currently insufficient to determine the role of this variant in disease. Therefore, it has been classified as a Variant of Uncertain Significance. Algorithms developed to predict the effect of missense changes on protein structure and function (SIFT, PolyPhen-2, Align-GVGD) all suggest that this variant is likely to be tolerated. This variant has not been reported in the literature in individuals affected with GTPBP3-related conditions. This variant is not present in population databases (gnomAD no frequency). This sequence change replaces aspartic acid, which is acidic and polar, with valine, which is neutral and non-polar, at codon 396 of the GTPBP3 protein (p.Asp396Val).

NM_032620.4(GTPBP3):c.1091A>T (p.Asp364Val)

Gene: GTPBP3 (GTP binding protein 3, mitochondrial; plus strand). Cytogenetic location: 19p13.11.
Variant type: single nucleotide variant.
Coding change: c.1091A>T on transcript NM_032620.4 (MANE Select); coding-DNA position 1091, A replaced by T.
Protein change: p.Asp364Val; replaces aspartic acid 364 with valine.
Molecular consequence: missense variant.
Genome position (GRCh38, 1-based): chr19:17,341,160, A>T. VCF-style: chr19-17341160-A-T. GRCh37 (hg19) VCF-style: chr19-17451969-A-T.
Other names: c.1028A>T, p.Asp343Val (NM_001128855.3); c.1157A>T, p.Asp386Val (NM_001195422.1); c.1187A>T, p.Asp396Val (NM_133644.4); short protein forms D364V, D386V, D396V, D343V.
Identifiers: ClinVar variation 2967674 (VCV002967674.1), dbSNP rs2513210846, ClinGen allele CA404738779.